The following is an entry in ClinVar:

ClinVar aggregate classification (germline): Conflicting classifications of pathogenicity. Review status: criteria provided, conflicting classifications (1 of 4 stars). 2 submissions from 2 submitters: Uncertain significance (1); Likely benign (1). Last evaluated 2025-12-11.

Conditions:
Inborn genetic diseases. Identifiers: MedGen C0950123, MeSH D030342.
Spondyloenchondrodysplasia with immune dysregulation (SPENCDI). Also called: ROIFMAN IMMUNOSKELETAL SYNDROME; SPONDYLOENCHONDRODYSPLASIA WITH OR WITHOUT IMMUNE DYSREGULATION; COMBINED IMMUNODEFICIENCY WITH AUTOIMMUNITY AND SPONDYLOMETAPHYSEAL DYSPLASIA. Identifiers: Orphanet 1855, MedGen C1842763, MONDO:0011939, OMIM 607944.

Allele frequency attached by ClinVar (database versions not stated): gnomAD 0.00010; TOPMed 0.00014; gnomAD exomes 0.00002 and 0.00004; 1000 Genomes Project 0.00020; ExAC 0.00004; ESP Exome Variant Server 0.00015; 1000 Genomes Project 30x 0.00016.
gnomAD v4.1: 67 of 1,610,220 alleles (0.0042%); highest among the groups gnomAD compares: African/African-American, 0.035%; no homozygotes.

Submissions (2):

Ambry Genetics
Classification: Likely benign for Inborn genetic diseases. Last evaluated: 2025-12-11. Review status: criteria provided, single submitter. Criteria: Ambry Variant Classification Scheme 2023. Collection method: clinical testing. Allele origin: germline.

Labcorp Genetics (formerly Invitae), Labcorp
Classification: Uncertain significance for Spondyloenchondrodysplasia with immune dysregulation. Last evaluated: 2024-04-10. Review status: criteria provided, single submitter. Criteria: Invitae Variant Classification Sherloc (09022015). Collection method: clinical testing. Allele origin: germline.
Comment: This sequence change replaces glycine, which is neutral and non-polar, with arginine, which is basic and polar, at codon 232 of the ACP5 protein (p.Gly232Arg). This variant is present in population databases (rs374180791, gnomAD 0.03%). This variant has not been reported in the literature in individuals affected with ACP5-related conditions. ClinVar contains an entry for this variant (Variation ID: 950108). Advanced modeling of protein sequence and biophysical properties (such as structural, functional, and spatial information, amino acid conservation, physicochemical variation, residue mobility, and thermodynamic stability) performed at Invitae indicates that this missense variant is not expected to disrupt ACP5 protein function with a negative predictive value of 80%. In summary, the available evidence is currently insufficient to determine the role of this variant in disease. Therefore, it has been classified as a Variant of Uncertain Significance.

NM_001611.5(ACP5):c.694G>A (p.Gly232Arg)

Gene: ACP5 (acid phosphatase 5, tartrate resistant; minus strand). Cytogenetic location: 19p13.2.
Variant type: single nucleotide variant.
Coding change: c.694G>A on transcript NM_001611.5 (MANE Select); coding-DNA position 694, G replaced by A.
Protein change: p.Gly232Arg; replaces glycine 232 with arginine.
Molecular consequence: missense variant.
Genome position (GRCh38, 1-based): chr19:11,576,284, C>T on the plus strand (G>A on the coding strand, the complement: ACP5 is on the minus strand). VCF-style: chr19-11576284-C-T. GRCh37 (hg19) VCF-style: chr19-11687099-C-T.
Other names: c.694G>A (NM_001111035.1); c.694G>A, p.Gly232Arg (NM_001111034.3, NM_001111035.3, NM_001111036.3 and 1 more transcripts); short protein forms G232R.
Identifiers: ClinVar variation 950108 (VCV000950108.10), dbSNP rs374180791, ClinGen allele CA9215355.